The following is an entry in ClinVar:

NM_001382508.1(DROSHA):c.1669G>T (p.Ala557Ser)

Gene: DROSHA (drosha ribonuclease III; minus strand). Cytogenetic location: 5p13.3.
Variant type: single nucleotide variant.
Coding change: c.1669G>T on transcript NM_001382508.1 (MANE Select); coding-DNA position 1669, G replaced by T.
Protein change: p.Ala557Ser; replaces alanine 557 with serine.
Molecular consequence: missense variant.
Genome position (GRCh38, 1-based): chr5:31,495,372, C>A on the plus strand (G>T on the coding strand, the complement: DROSHA is on the minus strand). VCF-style: chr5-31495372-C-A. GRCh37 (hg19) VCF-style: chr5-31495479-C-A.
Other names: NC_000005.9:g.31495479C>A; c.1558G>T, p.Ala520Ser (NM_001100412.2); c.1669G>T, p.Ala557Ser (NM_013235.5); short protein forms A520S, A557S.
Identifiers: ClinVar variation 3050303 (VCV003050303.3), dbSNP rs61751194, ClinGen allele CA3217616.
Genomic context (GRCh38, chr5:31,495,372, plus strand): 5'-TGATCCGGTAGTGGAAAAGTCTGCCAGCATTGTTGGTCATAGGACGACAGGGCTTGATGG[C>A]CTGAGGGGAAAAAAACGAAAATCAGTTTACAAGTAAAGCAAGAGTACTTTTACTTAAAAA-3'
Protein context (NP_001369437.1, residues 547-567): IRHSIYPGEE[Ala557Ser]IKPCRPMTNN

ClinVar aggregate classification (germline): Likely benign (0 of 4 stars; one submission).

Conditions:
DROSHA-related disorder. Also called: DROSHA-related condition.

Allele frequency attached by ClinVar (database versions not stated): 1000 Genomes Project 30x 0.00031; 1000 Genomes Project 0.00040; ESP Exome Variant Server 0.00127; gnomAD 0.00157; TOPMed 0.00157; ExAC 0.00171; gnomAD exomes 0.00248.
gnomAD v4.1: 3,840 of 1,611,520 alleles (0.24%); highest among the groups gnomAD compares: Non-Finnish European, 0.29%; 10 homozygotes.

Submissions (21):

PreventionGenetics, part of Exact Sciences
Classification: Likely benign for DROSHA-related condition. Last evaluated: 2020-07-03. Review status: no assertion criteria provided. Collection method: clinical testing. Allele origin: germline.
Comment: This variant is classified as likely benign based on ACMG/AMP sequence variant interpretation guidelines (Richards et al. 2015 PMID: 25741868, with internal and published modifications).

Dr. Peter K. Rogan Lab, Western University
No classification provided (evidence only). Condition: Clear cell carcinoma of kidney. Review status: no classification provided. Collection method: in vitro. Allele origin: not applicable. Functional consequence: retained intron. Not counted in ClinVar's aggregate classification.

Dr. Peter K. Rogan Lab, Western University
No classification provided (evidence only). Condition: Clear cell carcinoma of kidney. Review status: no classification provided. Collection method: in vitro. Allele origin: not applicable. Functional consequence: retained intron. Not counted in ClinVar's aggregate classification.

Dr. Peter K. Rogan Lab, Western University
No classification provided (evidence only). Condition: Lung cancer. Review status: no classification provided. Collection method: in vitro. Allele origin: not applicable. Functional consequence: retained intron. Not counted in ClinVar's aggregate classification.

Dr. Peter K. Rogan Lab, Western University
No classification provided (evidence only). Condition: Lung cancer. Review status: no classification provided. Collection method: in vitro. Allele origin: not applicable. Functional consequence: retained intron. Not counted in ClinVar's aggregate classification.

Dr. Peter K. Rogan Lab, Western University
No classification provided (evidence only). Condition: Lung cancer. Review status: no classification provided. Collection method: in vitro. Allele origin: not applicable. Functional consequence: retained intron. Not counted in ClinVar's aggregate classification.

Dr. Peter K. Rogan Lab, Western University
No classification provided (evidence only). Condition: Melanoma. Review status: no classification provided. Collection method: in vitro. Allele origin: not applicable. Functional consequence: retained intron. Not counted in ClinVar's aggregate classification.

Dr. Peter K. Rogan Lab, Western University
No classification provided (evidence only). Condition: Melanoma. Review status: no classification provided. Collection method: in vitro. Allele origin: not applicable. Functional consequence: retained intron. Not counted in ClinVar's aggregate classification.

Dr. Peter K. Rogan Lab, Western University
No classification provided (evidence only). Condition: Familial cancer of breast. Review status: no classification provided. Collection method: in vitro. Allele origin: not applicable. Functional consequence: retained intron. Not counted in ClinVar's aggregate classification.

Dr. Peter K. Rogan Lab, Western University
No classification provided (evidence only). Condition: Familial cancer of breast. Review status: no classification provided. Collection method: in vitro. Allele origin: not applicable. Functional consequence: retained intron. Not counted in ClinVar's aggregate classification.

Dr. Peter K. Rogan Lab, Western University
No classification provided (evidence only). Condition: Familial cancer of breast. Review status: no classification provided. Collection method: in vitro. Allele origin: not applicable. Functional consequence: retained intron. Not counted in ClinVar's aggregate classification.

Dr. Peter K. Rogan Lab, Western University
No classification provided (evidence only). Condition: Acute myeloid leukemia. Review status: no classification provided. Collection method: in vitro. Allele origin: not applicable. Functional consequence: retained intron. Not counted in ClinVar's aggregate classification.

Dr. Peter K. Rogan Lab, Western University
No classification provided (evidence only). Condition: Acute myeloid leukemia. Review status: no classification provided. Collection method: in vitro. Allele origin: not applicable. Functional consequence: retained intron. Not counted in ClinVar's aggregate classification.

Dr. Peter K. Rogan Lab, Western University
No classification provided (evidence only). Condition: Colon adenocarcinoma. Review status: no classification provided. Collection method: in vitro. Allele origin: not applicable. Functional consequence: retained intron. Not counted in ClinVar's aggregate classification.

Dr. Peter K. Rogan Lab, Western University
No classification provided (evidence only). Condition: Uterine corpus endometrial carcinoma. Review status: no classification provided. Collection method: in vitro. Allele origin: not applicable. Functional consequence: retained intron. Not counted in ClinVar's aggregate classification.

Dr. Peter K. Rogan Lab, Western University
No classification provided (evidence only). Condition: Cervical cancer. Review status: no classification provided. Collection method: in vitro. Allele origin: not applicable. Functional consequence: retained intron. Not counted in ClinVar's aggregate classification.

Dr. Peter K. Rogan Lab, Western University
No classification provided (evidence only). Condition: Ovarian serous cystadenocarcinoma. Review status: no classification provided. Collection method: in vitro. Allele origin: not applicable. Functional consequence: retained intron. Not counted in ClinVar's aggregate classification.

Dr. Peter K. Rogan Lab, Western University
No classification provided (evidence only). Condition: Ovarian serous cystadenocarcinoma. Review status: no classification provided. Collection method: in vitro. Allele origin: not applicable. Functional consequence: retained intron. Not counted in ClinVar's aggregate classification.

Dr. Peter K. Rogan Lab, Western University
No classification provided (evidence only). Condition: Malignant tumor of esophagus. Review status: no classification provided. Collection method: in vitro. Allele origin: not applicable. Functional consequence: skipped exon, retained intron. Not counted in ClinVar's aggregate classification.

Dr. Peter K. Rogan Lab, Western University
No classification provided (evidence only). Condition: Chronic lymphocytic leukemia/small lymphocytic lymphoma. Review status: no classification provided. Collection method: in vitro. Allele origin: not applicable. Functional consequence: retained intron. Not counted in ClinVar's aggregate classification.

Dr. Peter K. Rogan Lab, Western University
No classification provided (evidence only). Condition: Familial pancreatic carcinoma. Review status: no classification provided. Collection method: in vitro. Allele origin: not applicable. Functional consequence: retained intron. Not counted in ClinVar's aggregate classification.